The following is an entry in ClinVar:

ClinVar aggregate classification (germline): Uncertain significance (1 of 4 stars; one submission).

Conditions:
Catecholaminergic polymorphic ventricular tachycardia 1. Also called: VENTRICULAR TACHYCARDIA, CATECHOLAMINERGIC POLYMORPHIC, 1, WITH OR WITHOUT ATRIAL DYSFUNCTION AND/OR DILATED CARDIOMYOPATHY; RYR2-Related Catecholaminergic Polymorphic Ventricular Tachycardia; VENTRICULAR TACHYCARDIA, STRESS-INDUCED POLYMORPHIC 1. Identifiers: Orphanet 3286, MedGen C1631597, MONDO:0011484, OMIM 604772.

Allele frequency attached by ClinVar (database versions not stated): gnomAD exomes below 0.00001.
gnomAD v4.1: 2 of 1,613,834 alleles (0.00012%); highest among the groups gnomAD compares: Non-Finnish European, 0.000085%; no homozygotes.

Submission:

Labcorp Genetics (formerly Invitae), Labcorp
Classification: Uncertain significance for Catecholaminergic polymorphic ventricular tachycardia 1. Last evaluated: 2026-02-02. Review status: criteria provided, single submitter. Criteria: Invitae Variant Classification Sherloc (09022015). Collection method: clinical testing. Allele origin: germline.
Comment: This sequence change replaces phenylalanine, which is neutral and non-polar, with valine, which is neutral and non-polar, at codon 4192 of the RYR2 protein (p.Phe4192Val). This variant is not present in population databases (gnomAD no frequency). This variant has not been reported in the literature in individuals affected with RYR2-related conditions. ClinVar contains an entry for this variant (Variation ID: 2047556). Invitae Evidence Modeling of protein sequence and biophysical properties (such as structural, functional, and spatial information, amino acid conservation, physicochemical variation, residue mobility, and thermodynamic stability) indicates that this missense variant is expected to disrupt RYR2 protein function with a positive predictive value of 95%. In summary, the available evidence is currently insufficient to determine the role of this variant in disease. Therefore, it has been classified as a Variant of Uncertain Significance.

NM_001035.3(RYR2):c.12574T>G (p.Phe4192Val)

Genes: RYR2 (ryanodine receptor 2; plus strand), LOC126806068 (BRD4-independent group 4 enhancer GRCh37_chr1:237947411-237948610; plus strand). Cytogenetic location: 1q43.
Variant type: single nucleotide variant.
Coding change: c.12574T>G on transcript NM_001035.3 (MANE Select); coding-DNA position 12574, T replaced by G.
Protein change: p.Phe4192Val; replaces phenylalanine 4192 with valine.
Molecular consequence: missense variant.
Genome position (GRCh38, 1-based): chr1:237,784,286, T>G. VCF-style: chr1-237784286-T-G. GRCh37 (hg19) VCF-style: chr1-237947586-T-G.
Other names: short protein forms F4192V.
Identifiers: ClinVar variation 2047556 (VCV002047556.4), dbSNP rs1558405994, ClinGen allele CA345413659.